The following is an entry in ClinVar:

ClinVar aggregate classification (germline): Uncertain significance (1 of 4 stars; one submission).

Conditions:
Neurofibromatosis, type 1 (NF1). Also called: VON RECKLINGHAUSEN DISEASE; NEUROFIBROMATOSIS, TYPE I, SOMATIC; Peripheral type neurofibromatosis; Neurofibromatosis, type I. Identifiers: Orphanet 636, MedGen C0027831, MONDO:0018975, OMIM 162200. Disease mechanism: loss of function.

Submission:

Labcorp Genetics (formerly Invitae), Labcorp
Classification: Uncertain significance for Neurofibromatosis, type 1. Last evaluated: 2018-10-08. Review status: criteria provided, single submitter. Criteria: Invitae Variant Classification Sherloc (09022015). Collection method: clinical testing. Allele origin: germline.
Comment: This sequence change replaces isoleucine with methionine at codon 1770 of the NF1 protein (p.Ile1770Met). The isoleucine residue is moderately conserved and there is a small physicochemical difference between isoleucine and methionine. This variant is not present in population databases (ExAC no frequency). This variant has not been reported in the literature in individuals with NF1-related disease. Algorithms developed to predict the effect of missense changes on protein structure and function are either unavailable or do not agree on the potential impact of this missense change (SIFT: "Deleterious"; PolyPhen-2: "Probably Damaging"; Align-GVGD: "Class C0"). Algorithms developed to predict the effect of sequence changes on RNA splicing suggest that this variant may create or strengthen a splice site, but this prediction has not been confirmed by published transcriptional studies. In summary, the available evidence is currently insufficient to determine the role of this variant in disease. Therefore, it has been classified as a Variant of Uncertain Significance.

NM_001042492.3(NF1):c.5373C>G (p.Ile1791Met)

Gene: NF1 (neurofibromin 1; plus strand). Cytogenetic location: 17q11.2.
Variant type: single nucleotide variant.
Coding change: c.5373C>G on transcript NM_001042492.3 (MANE Select); coding-DNA position 5373, C replaced by G.
Protein change: p.Ile1791Met; replaces isoleucine 1791 with methionine.
Molecular consequence: missense variant.
Genome position (GRCh38, 1-based): chr17:31,327,603, C>G. VCF-style: chr17-31327603-C-G. GRCh37 (hg19) VCF-style: chr17-29654621-C-G.
Other names: c.5310C>G, p.Ile1770Met (NM_000267.4); short protein forms I1770M, I1791M.
Identifiers: ClinVar variation 657101 (VCV000657101.5), dbSNP rs1597831996, ClinGen allele CA399009294.